The following is an entry in ClinVar:

ClinVar aggregate classification (germline): Uncertain significance (1 of 4 stars; one submission).

Conditions:
Severe combined immunodeficiency due to DNA-PKcs deficiency. Also called: Immunodeficiency 26 with or without neurologic abnormalities; IMMUNODEFICIENCY 26 WITH NEUROLOGIC ABNORMALITIES. Identifiers: Orphanet 317425, MedGen C4014833, MONDO:0014423, OMIM 615966.

Allele frequency attached by ClinVar (database versions not stated): gnomAD exomes below 0.00001 and 0.00001; ExAC 0.00001.
gnomAD v4.1: 5 of 1,584,142 alleles (0.00032%); highest among the groups gnomAD compares: Non-Finnish European, 0.00043%; no homozygotes.

Submission:

Labcorp Genetics (formerly Invitae), Labcorp
Classification: Uncertain significance for Severe combined immunodeficiency due to DNA-PKcs deficiency. Last evaluated: 2020-03-05. Review status: criteria provided, single submitter. Criteria: Invitae Variant Classification Sherloc (09022015). Collection method: clinical testing. Allele origin: germline.
Comment: This sequence change falls in intron 31 of the PRKDC gene. It does not directly change the encoded amino acid sequence of the PRKDC protein, but it affects a nucleotide within the consensus splice site of the intron. This variant is present in population databases (rs766747088, ExAC 0.002%). This variant has not been reported in the literature in individuals with PRKDC-related conditions. Nucleotide substitutions within the consensus splice site are a relatively common cause of aberrant splicing (PMID: 17576681, 9536098). Experimental studies and prediction algorithms are not available or were not evaluated, and the effect of this variant on mRNA splicing is currently unknown. In summary, the available evidence is currently insufficient to determine the role of this variant in disease. Therefore, it has been classified as a Variant of Uncertain Significance.

Literature cited by the submitters: PubMed 17576681; PubMed 9536098.

NM_006904.7(PRKDC):c.3847+3A>G

Gene: PRKDC (protein kinase, DNA-activated, catalytic subunit; minus strand). Cytogenetic location: 8q11.21.
Variant type: single nucleotide variant.
Coding change: c.3847+3A>G on transcript NM_006904.7 (MANE Select); 3 bases into the intron after coding-DNA position 3847, A replaced by G.
Molecular consequence: intron variant.
Genome position (GRCh38, 1-based): chr8:47,893,136, T>C on the plus strand (A>G on the coding strand, the complement: PRKDC is on the minus strand). VCF-style: chr8-47893136-T-C. GRCh37 (hg19) VCF-style: chr8-48805697-T-C.
Other names: c.3847+3A>G (NM_001081640.2).
Identifiers: ClinVar variation 844668 (VCV000844668.8), dbSNP rs766747088, ClinGen allele CA4741076.